The following is an entry in ClinVar:

NM_000512.5(GALNS):c.1365-281A>G

Genes: GALNS (galactosamine (N-acetyl)-6-sulfatase; minus strand), LOC126862447 (CDK7 strongly-dependent group 2 enhancer GRCh37_chr16:88884193-88885392; plus strand). Cytogenetic location: 16q24.3.
Variant type: single nucleotide variant.
Coding change: c.1365-281A>G on transcript NM_000512.5 (MANE Select); 281 bases into the intron before coding-DNA position 1365, A replaced by G.
Molecular consequence: intron variant.
Genome position (GRCh38, 1-based): chr16:88,818,405, T>C on the plus strand (A>G on the coding strand, the complement: GALNS is on the minus strand). VCF-style: chr16-88818405-T-C. GRCh37 (hg19) VCF-style: chr16-88884813-T-C.
Other names: c.810-281A>G (NM_001323543.2); c.1383-281A>G (NM_001323544.2).
Identifiers: ClinVar variation 684052 (VCV000684052.1), dbSNP rs3826072, ClinGen allele CA14257972.

ClinVar aggregate classification (germline): Benign (1 of 4 stars; one submission).

Allele frequency attached by ClinVar (database versions not stated): gnomAD 0.40982 and 0.41221; TOPMed 0.42505; 1000 Genomes Project 30x 0.47361; 1000 Genomes Project 0.47804.
gnomAD v4.1: 62,662 of 151,662 alleles (41%); highest among the groups gnomAD compares: East Asian, 63%; 13,280 homozygotes.

Submission:

GeneDx
Classification: Benign. Last evaluated: 2018-06-19. Review status: criteria provided, single submitter. Criteria: GeneDx Variant Classification (06012015). Collection method: clinical testing. Allele origin: germline. Affected: yes.
Comment: This variant is considered likely benign or benign based on one or more of the following criteria: it is a conservative change, it occurs at a poorly conserved position in the protein, it is predicted to be benign by multiple in silico algorithms, and/or has population frequency not consistent with disease.